The following is an entry in ClinVar:

NM_000138.5(FBN1):c.6365A>G (p.Asp2122Gly)

Gene: FBN1 (fibrillin 1; minus strand). Cytogenetic location: 15q21.1.
Variant type: single nucleotide variant.
Coding change: c.6365A>G on transcript NM_000138.5 (MANE Select); coding-DNA position 6365, A replaced by G.
Protein change: p.Asp2122Gly; replaces aspartic acid 2122 with glycine.
Molecular consequence: missense variant.
Genome position (GRCh38, 1-based): chr15:48,437,336, T>C on the plus strand (A>G on the coding strand, the complement: FBN1 is on the minus strand). VCF-style: chr15-48437336-T-C. GRCh37 (hg19) VCF-style: chr15-48729533-T-C.
Other names: c.6365A>G, p.Asp2122Gly (NM_001406716.1); short protein forms D2122G.
Identifiers: ClinVar variation 2954494 (VCV002954494.3), dbSNP rs2505436853, ClinGen allele CA392336764.

ClinVar aggregate classification (germline): Uncertain significance (1 of 4 stars; one submission).

Conditions:
Marfan syndrome (MFS). Also called: MARFAN SYNDROME, TYPE I; Marfan syndrome type 1; Marfan's syndrome; Marfan syndrome, classic; FBN1-Related Marfan Syndrome. Identifiers: Orphanet 284963, Orphanet 558, MedGen C0024796, MONDO:0007947, OMIM 154700.
Familial thoracic aortic aneurysm and aortic dissection (TAAD). Also called: Thoracic aortic aneurysms and dissections. Identifiers: Orphanet 91387, MedGen C4707243, MONDO:0019625.

Submission:

Labcorp Genetics (formerly Invitae), Labcorp
Classification: Uncertain significance for Marfan syndrome; Familial thoracic aortic aneurysm and aortic dissection. Last evaluated: 2024-10-21. Review status: criteria provided, single submitter. Criteria: Invitae Variant Classification Sherloc (09022015). Collection method: clinical testing. Allele origin: germline.
Comment: This sequence change replaces aspartic acid, which is acidic and polar, with glycine, which is neutral and non-polar, at codon 2122 of the FBN1 protein (p.Asp2122Gly). This variant is not present in population databases (gnomAD no frequency). This variant has not been reported in the literature in individuals affected with FBN1-related conditions. Invitae Evidence Modeling of protein sequence and biophysical properties (such as structural, functional, and spatial information, amino acid conservation, physicochemical variation, residue mobility, and thermodynamic stability) indicates that this missense variant is not expected to disrupt FBN1 protein function with a negative predictive value of 95%. In summary, the available evidence is currently insufficient to determine the role of this variant in disease. Therefore, it has been classified as a Variant of Uncertain Significance.